The following is an entry in ClinVar:

ClinVar aggregate classification (germline): Pathogenic/Likely pathogenic. Review status: criteria provided, multiple submitters, no conflicts (2 of 4 stars). 6 submissions from 6 submitters: Pathogenic (4); Likely pathogenic (2). Last evaluated 2025-09-11.

Conditions:
Hereditary breast ovarian cancer syndrome. Also called: Hereditary breast and ovarian cancer syndrome; Hereditary breast and ovarian cancer; Hereditary breast and ovarian cancer syndrome (HBOC); Breast and ovarian cancer; Hereditary breast and/or ovarian cancer syndrome; BRCA1- and BRCA2-Associated Hereditary Breast and Ovarian Cancer. Identifiers: Orphanet 145, MedGen C0677776, MeSH D061325, MONDO:0003582. Disease mechanism: loss of function.
Hereditary cancer-predisposing syndrome. Also called: Neoplastic Syndromes, Hereditary; Tumor predisposition; Hereditary neoplastic syndrome; Hereditary Cancer Syndrome. Identifiers: Orphanet 140162, MedGen C0027672, MeSH D009386, MONDO:0015356.
Breast-ovarian cancer, familial, susceptibility to, 2 (BROVCA2). Also called: BRCA2 Hereditary Breast and Ovarian Cancer. Identifiers: Orphanet 145, MedGen C2675520, MONDO:0012933, OMIM 612555. Disease mechanism: loss of function.

Submissions (6):

Ambry Genetics
Classification: Likely pathogenic for Hereditary cancer-predisposing syndrome. Last evaluated: 2025-09-11. Review status: criteria provided, single submitter. Criteria: Ambry Variant Classification Scheme 2023. Collection method: clinical testing. Allele origin: germline.
Comment: The c.9257-1G>A intronic variant results from a G to A substitution one nucleotide upstream from coding exon 24 of the BRCA2 gene. This nucleotide position is highly conserved in available vertebrate species. This variant is considered to be rare based on population cohorts in the Genome Aggregation Database (gnomAD). In silico splice site analysis predicts that this alteration will weaken the native splice acceptor site and will result in the creation or strengthening of a novel splice acceptor site. RNA studies have demonstrated that this alteration results in abnormal splicing in the set of samples tested (Ambry internal data). Alterations that disrupt the canonical splice site are expected to cause aberrant splicing, resulting in an abnormal protein or a transcript that is subject to nonsense-mediated mRNA decay. As such, this alteration is classified as likely pathogenic.

Labcorp Genetics (formerly Invitae), Labcorp
Classification: Pathogenic for Hereditary breast ovarian cancer syndrome. Last evaluated: 2025-07-17. Review status: criteria provided, single submitter. Criteria: Invitae Variant Classification Sherloc (09022015). Collection method: clinical testing. Allele origin: germline.
Comment: This sequence change affects an acceptor splice site in intron 24 of the BRCA2 gene. It is expected to disrupt RNA splicing. Variants that disrupt the donor or acceptor splice site typically lead to a loss of protein function (PMID: 16199547), and loss-of-function variants in BRCA2 are known to be pathogenic (PMID: 20104584). This variant is not present in population databases (gnomAD no frequency). Disruption of this splice site has been observed in individual(s) with breast cancer and/or ovarian cancer (PMID: 20960228, 21120943, 29446198; internal data). It has also been observed to segregate with disease in related individuals. ClinVar contains an entry for this variant (Variation ID: 52792). Studies have shown that disruption of this splice site is associated with inconclusive levels of altered splicing (PMID: 21394826, 25382762; internal data). For these reasons, this variant has been classified as Pathogenic.

Molecular Pathology, Peter Maccallum Cancer Centre
Classification: Likely pathogenic for Breast-ovarian cancer, familial, susceptibility to, 2. Last evaluated: 2024-09-17. Review status: criteria provided, single submitter. Criteria: ACMG Guidelines, 2015. Collection method: clinical testing. Allele origin: germline. Inheritance: Autosomal dominant inheritance.

KCCC/NGS Laboratory, Kuwait Cancer Control Center
Classification: Pathogenic for Breast-ovarian cancer, familial, susceptibility to, 2. Last evaluated: 2023-05-31. Review status: criteria provided, single submitter. Criteria: ACMG Guidelines, 2015. Collection method: clinical testing. Allele origin: unknown. Inheritance: Autosomal dominant inheritance. Affected: yes. Observed: 1 heterozygote.
Comment: A known pathogenic mutation was detected in the BRCA2 gene(c.9257-1G>A). This sequence change affects an acceptor splice site in intron 24 of the BRCA2 gene. It is expected to disrupt RNA splicing. Variants that disrupt the donor or acceptor splice site typically lead to a loss of protein function (PMID: 16199547), and loss-of-function variants in BRCA2 are known to be pathogenic (PMID: 20104584). This variant is not present in population databases (gnomAD no frequency). Disruption of this splice site has been observed in individual(s) with breast cancer and/or ovarian cancer (PMID: 25525159, 31589614, 32231684, 32733560, 25382762, 34290354, 31131967, 17924331, 29446198, 21120943, 30675319, 26187060, 22713736, 21990134) . It has also been observed to segregate with disease in related individuals. ClinVar contains an entry for this variant (Variation ID: 52792). Studies have shown that disruption of this splice site is associated with altered splicing resulting in multiple RNA products (PMID: 21394826, 25382762). For these reasons, this variant has been classified as Pathogenic.

Quest Diagnostics Nichols Institute San Juan Capistrano
Classification: Pathogenic. Last evaluated: 2022-12-09. Review status: criteria provided, single submitter. Criteria: Quest Diagnostics criteria. Collection method: clinical testing. Allele origin: unknown.
Comment: This variant disrupts a canonical splice-acceptor site and is predicted to interfere with normal BRCA2 mRNA splicing. This variant has not been reported in large, multi-ethnic general populations. In the published literature, the variant has been reported in individuals with breast and/or ovarian cancer (PMIDs: 21120943 (2011), 30675319 (2019), 32733560 (2020), 34290354 (2021), and 33471991 (2021), see also LOVD). Based on the available information, this variant is classified as pathogenic.

GeneDx
Classification: Pathogenic. Last evaluated: 2022-06-24. Review status: criteria provided, single submitter. Criteria: GeneDx Variant Classification Process June 2021. Collection method: clinical testing. Allele origin: germline. Affected: yes.
Comment: Canonical splice site variant predicted to result in a null allele in a gene for which loss of function is a known mechanism of disease; Not observed at significant frequency in large population cohorts (gnomAD); Truncating variants in this gene are considered pathogenic by a well-established clinical consortium and/or database; Observed in individuals with a personal and/or family history of breast and/or ovarian cancer in the published literature (Caux-Moncoutier et al., 2011; Jalkh et al., 2012; Farra et al., 2019; Abdel-Razeq et al., 2020); Also known as 9485-1G>A; This variant is associated with the following publications: (PMID: 25525159, 31589614, 32231684, 32733560, 25382762, 34290354, 31131967, 17924331, 29446198, 21120943, 30675319, 26187060, 22713736, 21990134)

Literature cited by the submitters: PubMed 17924331 (cited by Ambry Genetics); PubMed 25525159 (cited by Ambry Genetics); PubMed 16199547 (cited by Labcorp Genetics (formerly Invitae), Labcorp); PubMed 20104584 (cited by Labcorp Genetics (formerly Invitae), Labcorp); PubMed 20960228 (cited by Labcorp Genetics (formerly Invitae), Labcorp); PubMed 21120943 (cited by Labcorp Genetics (formerly Invitae), Labcorp and Quest Diagnostics Nichols Institute San Juan Capistrano); PubMed 29446198 (cited by Labcorp Genetics (formerly Invitae), Labcorp); PubMed 21394826 (cited by Labcorp Genetics (formerly Invitae), Labcorp); PubMed 25382762 (cited by Labcorp Genetics (formerly Invitae), Labcorp); PubMed 31589614 (cited by Quest Diagnostics Nichols Institute San Juan Capistrano); PubMed 32231684 (cited by Quest Diagnostics Nichols Institute San Juan Capistrano); PubMed 32733560 (cited by Quest Diagnostics Nichols Institute San Juan Capistrano); PubMed 34290354 (cited by Quest Diagnostics Nichols Institute San Juan Capistrano); PubMed 33471991 (cited by Quest Diagnostics Nichols Institute San Juan Capistrano); PubMed 30675319 (cited by Quest Diagnostics Nichols Institute San Juan Capistrano).

NM_000059.4(BRCA2):c.9257-1G>A

Gene: BRCA2 (BRCA2 DNA repair associated; plus strand). Cytogenetic location: 13q13.1.
Variant type: single nucleotide variant.
Coding change: c.9257-1G>A on transcript NM_000059.4 (MANE Select); the canonical splice acceptor site of the intron before coding-DNA position 9257, G replaced by A.
Molecular consequence: splice acceptor variant.
Genome position (GRCh38, 1-based): chr13:32,394,688, G>A. VCF-style: chr13-32394688-G-A. GRCh37 (hg19) VCF-style: chr13-32968825-G-A.
Other names: c.9206-1G>A (NM_001406720.1); c.9161-1G>A (NM_001406719.1); c.4325-1G>A (NM_001406721.1); c.2840-1G>A (NM_001406722.1).
Identifiers: ClinVar variation 52792 (VCV000052792.20), dbSNP rs81002889, ClinGen allele CA026064.